The following is an entry in ClinVar:

ClinVar aggregate classification (germline): Uncertain significance (1 of 4 stars; one submission).

Conditions:
Cardiovascular phenotype. Identifiers: MedGen CN230736.

Allele frequency attached by ClinVar (database versions not stated): TOPMed 0.00001.

Submission:

Ambry Genetics
Classification: Uncertain significance for Cardiovascular phenotype. Last evaluated: 2022-06-06. Review status: criteria provided, single submitter. Criteria: Ambry Variant Classification Scheme 2023. Collection method: clinical testing. Allele origin: germline.
Comment: The p.D1213N variant (also known as c.3637G>A), located in coding exon 23 of the APOB gene, results from a G to A substitution at nucleotide position 3637. The aspartic acid at codon 1213 is replaced by asparagine, an amino acid with highly similar properties. This amino acid position is conserved. In addition, this alteration is predicted to be tolerated by in silico analysis. Since supporting evidence is limited at this time, the clinical significance of this alteration remains unclear.

NM_000384.3(APOB):c.3637G>A (p.Asp1213Asn)

Gene: APOB (apolipoprotein B; minus strand). Cytogenetic location: 2p24.1.
Variant type: single nucleotide variant.
Coding change: c.3637G>A on transcript NM_000384.3 (MANE Select); coding-DNA position 3637, G replaced by A.
Protein change: p.Asp1213Asn; replaces aspartic acid 1213 with asparagine.
Molecular consequence: missense variant.
Genome position (GRCh38, 1-based): chr2:21,015,132, C>T on the plus strand (G>A on the coding strand, the complement: APOB is on the minus strand). VCF-style: chr2-21015132-C-T. GRCh37 (hg19) VCF-style: chr2-21238004-C-T.
Other names: short protein forms D1213N.
Identifiers: ClinVar variation 1733458 (VCV001733458.2), dbSNP rs1290225632, ClinGen allele CA346008631.
Genomic context (GRCh38, chr2:21,015,132, plus strand): 5'-CAACTATTAATTTGGAACCCACGTGCCGGAAAGTCATGTCTGTTTGAGGGACTCTGTGAT[C>T]CAGGAGTCTATTAGCATACATATGCAAGCTCTTAGGATAATCGGAGAGATCCACAGGGAA-3'
Protein context (NP_000375.3, residues 1203-1223): SLHMYANRLL[Asp1213Asn]HRVPQTDMTF